The following is an entry in ClinVar:

NC_000007.14:g.128238729C>T

Gene: LOC106728418 (LEP 5' regulatory region; plus strand). Cytogenetic location: 7q32.1.
Variant type: single nucleotide variant.
Genome position: GRCh38 VCF-style: chr7-128238729-C-T. GRCh37 (hg19) VCF-style: chr7-127878782-C-T.
Identifiers: ClinVar variation 2571297 (VCV002571297.26), dbSNP rs72563764, ClinGen allele CA12547508.

ClinVar aggregate classification (germline): Likely benign (1 of 4 stars; one submission).

Allele frequency attached by ClinVar (database versions not stated): 1000 Genomes Project 30x 0.00250; 1000 Genomes Project 0.00280; gnomAD 0.00640; TOPMed 0.00704.

Submission:

CeGaT Center for Human Genetics Tuebingen
Classification: Likely benign. Last evaluated: 2023-04-01. Review status: criteria provided, single submitter. Criteria: CeGaT Center For Human Genetics Tuebingen Variant Classification Criteria Version 2. Collection method: clinical testing. Allele origin: germline. Affected: yes. Observed: 2 variant alleles.
Comment: ENSG00000289434: BS2